The following is an entry in ClinVar:

ClinVar aggregate classification (germline): Uncertain significance (1 of 4 stars; one submission).

Conditions:
Inborn genetic diseases. Identifiers: MedGen C0950123, MeSH D030342.

Submission:

Ambry Genetics
Classification: Uncertain significance for Inborn genetic diseases. Last evaluated: 2022-04-23. Review status: criteria provided, single submitter. Criteria: Ambry Variant Classification Scheme 2023. Collection method: clinical testing. Allele origin: germline.
Comment: The p.T681A variant (also known as c.2041A>G), located in coding exon 12 of the EPAS1 gene, results from an A to G substitution at nucleotide position 2041. The threonine at codon 681 is replaced by alanine, an amino acid with similar properties. This amino acid position is conserved. In addition, this alteration is predicted to be tolerated by in silico analysis. Since supporting evidence is limited at this time, the clinical significance of this alteration remains unclear.

NM_001430.5(EPAS1):c.2041A>G (p.Thr681Ala)

Gene: EPAS1 (endothelial PAS domain protein 1; plus strand). Cytogenetic location: 2p21.
Variant type: single nucleotide variant.
Coding change: c.2041A>G on transcript NM_001430.5 (MANE Select); coding-DNA position 2041, A replaced by G.
Protein change: p.Thr681Ala; replaces threonine 681 with alanine.
Molecular consequence: missense variant.
Genome position (GRCh38, 1-based): chr2:46,380,713, A>G. VCF-style: chr2-46380713-A-G. GRCh37 (hg19) VCF-style: chr2-46607852-A-G.
Other names: short protein forms T681A.
Identifiers: ClinVar variation 1784909 (VCV001784909.2), dbSNP rs2546478019, ClinGen allele CA346705397.